The following is an entry in ClinVar:

NM_018089.3(ANKZF1):c.310C>G (p.Leu104Val)

Gene: ANKZF1 (ankyrin repeat and zinc finger peptidyl tRNA hydrolase 1; plus strand). Cytogenetic location: 2q35.
Variant type: single nucleotide variant.
Coding change: c.310C>G on transcript NM_018089.3 (MANE Select); coding-DNA position 310, C replaced by G.
Protein change: p.Leu104Val; replaces leucine 104 with valine.
Molecular consequence: missense variant. On other transcripts: intron variant (1).
Genome position (GRCh38, 1-based): chr2:219,232,308, C>G. VCF-style: chr2-219232308-C-G. GRCh37 (hg19) VCF-style: chr2-220097030-C-G.
Other names: c.310C>G, p.Leu104Val (NM_001042410.2); c.-266-182C>G (NM_001282792.2); short protein forms L104V.
Identifiers: ClinVar variation 1509673 (VCV001509673.6), dbSNP rs2106458853, ClinGen allele CA350672865.
Genomic context (GRCh38, chr2:219,232,308, plus strand): 5'-TCTTTGTACTAGAGGGAACATTATAAGCTTGACTGGCATCGGTTTAACCTAAAGCAACGT[C>G]TCAAGGACAAGCCTCTCCTGTCTGCCCTGGACTTTGAAAAGCAGAGCTCCACAGGTGATG-3'
Protein context (NP_060559.2, residues 94-114): DWHRFNLKQR[Leu104Val]KDKPLLSALD

ClinVar aggregate classification (germline): Uncertain significance (1 of 4 stars; one submission).

Submission:

Labcorp Genetics (formerly Invitae), Labcorp
Classification: Uncertain significance. Last evaluated: 2022-02-25. Review status: criteria provided, single submitter. Criteria: Invitae Variant Classification Sherloc (09022015). Collection method: clinical testing. Allele origin: germline.
Comment: In summary, the available evidence is currently insufficient to determine the role of this variant in disease. Therefore, it has been classified as a Variant of Uncertain Significance. Algorithms developed to predict the effect of missense changes on protein structure and function (SIFT, PolyPhen-2, Align-GVGD) all suggest that this variant is likely to be tolerated. This variant has not been reported in the literature in individuals affected with ANKZF1-related conditions. This variant is not present in population databases (gnomAD no frequency). This sequence change replaces leucine, which is neutral and non-polar, with valine, which is neutral and non-polar, at codon 104 of the ANKZF1 protein (p.Leu104Val).